The following is an entry in ClinVar:

NM_000384.3(APOB):c.5984A>G (p.Asp1995Gly)

Gene: APOB (apolipoprotein B; minus strand). Cytogenetic location: 2p24.1.
Variant type: single nucleotide variant.
Coding change: c.5984A>G on transcript NM_000384.3 (MANE Select); coding-DNA position 5984, A replaced by G.
Protein change: p.Asp1995Gly; replaces aspartic acid 1995 with glycine.
Molecular consequence: missense variant.
Genome position (GRCh38, 1-based): chr2:21,010,884, T>C on the plus strand (A>G on the coding strand, the complement: APOB is on the minus strand). VCF-style: chr2-21010884-T-C. GRCh37 (hg19) VCF-style: chr2-21233756-T-C.
Other names: short protein forms D1995G.
Identifiers: ClinVar variation 4125544 (VCV004125544.1), dbSNP rs1166311048.
Genomic context (GRCh38, chr2:21,010,884, plus strand): 5'-GCCAGAGTTCGTCCAGTAAGCTCCACGCCAATTTTATCTTTAGTGTTGTAAGCATCCAAG[T>C]CCTGGCTGTATTCATTGTTGTTAAATTGGGTCTTGAGTTTCCAGGTGCCTGTCTGCTCAG-3'
Protein context (NP_000375.3, residues 1985-2005): TQFNNNEYSQ[Asp1995Gly]LDAYNTKDKI

ClinVar aggregate classification (germline): Uncertain significance (1 of 4 stars; one submission).

Conditions:
Cardiovascular phenotype. Identifiers: MedGen CN230736.

Allele frequency attached by ClinVar (database versions not stated): TOPMed below 0.00001 and 0.00001.
gnomAD v4.1: 1 of 1,613,988 alleles (0.000062%); highest among the groups gnomAD compares: Non-Finnish European, 0.000085%; no homozygotes.

Submission:

Ambry Genetics
Classification: Uncertain significance for Cardiovascular phenotype. Last evaluated: 2025-09-07. Review status: criteria provided, single submitter. Criteria: Ambry Variant Classification Scheme 2023. Collection method: clinical testing. Allele origin: germline.
Comment: The p.D1995G variant (also known as c.5984A>G), located in coding exon 26 of the APOB gene, results from an A to G substitution at nucleotide position 5984. The aspartic acid at codon 1995 is replaced by glycine, an amino acid with similar properties. This amino acid position is conserved. In addition, this alteration is predicted to be tolerated by in silico analysis. Based on the available evidence, the clinical significance of this variant remains unclear.